The following is an entry in ClinVar:

NM_133433.4(NIPBL):c.3821A>G (p.Gln1274Arg)

Gene: NIPBL (NIPBL cohesin loading factor; plus strand). Cytogenetic location: 5p13.2.
Variant type: single nucleotide variant.
Coding change: c.3821A>G on transcript NM_133433.4 (MANE Select); coding-DNA position 3821, A replaced by G.
Protein change: p.Gln1274Arg; replaces glutamine 1274 with arginine.
Molecular consequence: missense variant.
Genome position (GRCh38, 1-based): chr5:37,003,313, A>G. VCF-style: chr5-37003313-A-G. GRCh37 (hg19) VCF-style: chr5-37003415-A-G.
Other names: c.3821A>G, p.Gln1274Arg (NM_001438586.1, NM_015384.5); short protein forms Q1274R.
Identifiers: ClinVar variation 5009096 (VCV005009096.1).

ClinVar aggregate classification (germline): Uncertain significance (1 of 4 stars; one submission).

Submission:

GeneDx
Classification: Uncertain significance. Last evaluated: 2026-03-12. Review status: criteria provided, single submitter. Criteria: GeneDx Variant Classification Process June 2021. Collection method: clinical testing. Allele origin: germline.
Comment: Not observed at significant frequency in large population cohorts (gnomAD); In silico analysis suggests that this missense variant does not alter protein structure/function; Has not been previously published as pathogenic or benign to our knowledge